The following is an entry in ClinVar:

NM_015331.3(NCSTN):c.166G>A (p.Ala56Thr)

Gene: NCSTN (nicastrin; plus strand). Cytogenetic location: 1q23.2.
Variant type: single nucleotide variant.
Coding change: c.166G>A on transcript NM_015331.3 (MANE Select); coding-DNA position 166, G replaced by A.
Protein change: p.Ala56Thr; replaces alanine 56 with threonine.
Molecular consequence: missense variant.
Genome position (GRCh38, 1-based): chr1:160,344,802, G>A. VCF-style: chr1-160344802-G-A. GRCh37 (hg19) VCF-style: chr1-160314592-G-A.
Other names: c.106G>A, p.Ala36Thr (NM_001290184.2); c.166G>A, p.Ala56Thr (NM_001290186.2, NM_001349729.2); short protein forms A36T, A56T.
Identifiers: ClinVar variation 2084904 (VCV002084904.4), dbSNP rs1325765596, ClinGen allele CA343275359.
Genomic context (GRCh38, chr1:160,344,802, plus strand): 5'-GTGGAGAGGAAGATATATATCCCCTTAAATAAAACAGCTCCCTGTGTTCGCCTGCTCAAC[G>A]CCACTCATCAGATTGGCTGCCAGTGTGAGTTGAGATGGATTCATGTTTGTGGACATTGAT-3'
Protein context (NP_056146.1, residues 46-66): KTAPCVRLLN[Ala56Thr]THQIGCQSSI

ClinVar aggregate classification (germline): Uncertain significance (1 of 4 stars; one submission).

Allele frequency attached by ClinVar (database versions not stated): gnomAD exomes below 0.00001; gnomAD 0.00001.
gnomAD v4.1: 7 of 1,613,796 alleles (0.00043%); highest among the groups gnomAD compares: African/African-American, 0.0013%; no homozygotes.

Submission:

Labcorp Genetics (formerly Invitae), Labcorp
Classification: Uncertain significance. Last evaluated: 2022-01-16. Review status: criteria provided, single submitter. Criteria: Invitae Variant Classification Sherloc (09022015). Collection method: clinical testing. Allele origin: germline.
Comment: This variant has not been reported in the literature in individuals affected with NCSTN-related conditions. In summary, the available evidence is currently insufficient to determine the role of this variant in disease. Therefore, it has been classified as a Variant of Uncertain Significance. Algorithms developed to predict the effect of missense changes on protein structure and function are either unavailable or do not agree on the potential impact of this missense change (SIFT: "Tolerated"; PolyPhen-2: "Probably Damaging"; Align-GVGD: "Class C0"). This variant is present in population databases (no rsID available, gnomAD 0.004%). This sequence change replaces alanine, which is neutral and non-polar, with threonine, which is neutral and polar, at codon 56 of the NCSTN protein (p.Ala56Thr).